The following is an entry in ClinVar:

NM_001130987.2(DYSF):c.5557C>T (p.Arg1853Cys)

Gene: DYSF (dysferlin; plus strand). Cytogenetic location: 2p13.2.
Variant type: single nucleotide variant.
Coding change: c.5557C>T on transcript NM_001130987.2 (MANE Select); coding-DNA position 5557, C replaced by T.
Protein change: p.Arg1853Cys; replaces arginine 1853 with cysteine.
Molecular consequence: missense variant.
Genome position (GRCh38, 1-based): chr2:71,669,122, C>T. VCF-style: chr2-71669122-C-T. GRCh37 (hg19) VCF-style: chr2-71896252-C-T.
Other names: c.5443C>T, p.Arg1815Cys (NM_001130455.2); c.5398C>T, p.Arg1800Cys (NM_001130976.2); c.5461C>T, p.Arg1821Cys (NM_001130977.2); c.5503C>T, p.Arg1835Cys (NM_001130978.2); c.5533C>T, p.Arg1845Cys (NM_001130979.2); c.5491C>T, p.Arg1831Cys (NM_001130980.2); c.5554C>T, p.Arg1852Cys (NM_001130981.2); c.5536C>T, p.Arg1846Cys (NM_001130982.2); and 5 more; short protein forms R1853C, R1814C, R1801C, R1815C, R1821C, R1831C, R1836C, R1800C.
Identifiers: ClinVar variation 557327 (VCV000557327.16), dbSNP rs1280185461, ClinGen allele CA347222104.

ClinVar aggregate classification (germline): Conflicting classifications of pathogenicity. Review status: criteria provided, conflicting classifications (1 of 4 stars). 7 submissions from 7 submitters: Pathogenic (1); Likely pathogenic (2); Uncertain significance (3). 1 of the submissions does not count toward it. Last evaluated 2026-07-23.

Conditions:
Autosomal recessive limb-girdle muscular dystrophy type 2B (LGMDR2). Also called: MUSCULAR DYSTROPHY, LIMB-GIRDLE, AUTOSOMAL RECESSIVE 2; Limb-girdle muscular dystrophy, type 2B; Limb-Girdle Muscular Dystrophy Type 2B (LGMD2B); MUSCULAR DYSTROPHY, LIMB-GIRDLE, TYPE 3. Identifiers: Orphanet 268, MedGen C1850889, MONDO:0009676, OMIM 253601.
Neuromuscular disease caused by qualitative or quantitative defects of dysferlin. Also called: Qualitative or quantitative defects of dysferlin; Dysferlinopathy. Identifiers: Orphanet 207073, MedGen C2931687, MONDO:0016145.
Autosomal recessive limb-girdle muscular dystrophy. Identifiers: Orphanet 102015, MedGen C2931907, MONDO:0015152.

Allele frequency attached by ClinVar (database versions not stated): TOPMed below 0.00001; gnomAD 0.00001.
gnomAD v4.1: 9 of 1,601,670 alleles (0.00056%); highest among the groups gnomAD compares: South Asian, 0.0023%; no homozygotes.

Submissions (7):

Myriad Genetics, Inc.
Classification: Uncertain significance for Autosomal recessive limb-girdle muscular dystrophy. Last evaluated: 2026-07-23. Review status: criteria provided, single submitter. Criteria: Myriad Autosomal Dominant, Autosomal Recessive and X-Linked Classification Criteria (2023). Collection method: clinical testing. Allele origin: unknown.
Comment: NM_003494.3(DYSF):c.5440C>T(R1814C) is a missense variant classified as a variant of uncertain significance in the context of dysferlinopathy. R1814C has been observed in cases with relevant disease (PMID: 26404900, 21522182). Relevant functional assessments of this variant are not available in the literature. R1814C has not been observed in referenced population frequency databases. In summary, there is insufficient evidence to classify NM_003494.3(DYSF):c.5440C>T(R1814C) as pathogenic or benign. Please note: this variant was assessed in the context of healthy population screening.

Women's Health and Genetics/Laboratory Corporation of America, LabCorp
Classification: Likely pathogenic for Autosomal recessive limb-girdle muscular dystrophy. Last evaluated: 2025-10-15. Review status: criteria provided, single submitter. Criteria: LabCorp Variant Classification Summary - May 2015. Collection method: clinical testing. Allele origin: germline.
Comment: Variant summary: DYSF c.5440C>T (p.Arg1814Cys) results in a non-conservative amino acid change located in the C2 domain (IPR000008) of the encoded protein sequence. Algorithms developed to predict the effect of missense changes on protein structure and function all suggest that this variant is likely to be disruptive. The variant was absent in 233300 control chromosomes. c.5440C>T has been observed in individuals affected with Autosomal Recessive Limb-Girdle Muscular Dystrophy (e.g. Cacciottolo_2011, Magri_2015). These data indicate that the variant may be associated with disease. To our knowledge, no experimental evidence demonstrating an impact on protein function has been reported. The following publications have been ascertained in the context of this evaluation (PMID: 21522182, 26404900). ClinVar contains an entry for this variant (Variation ID: 557327). Based on the evidence outlined above, the variant was classified as likely pathogenic.

GeneDx
Classification: Uncertain significance. Last evaluated: 2025-08-13. Review status: criteria provided, single submitter. Criteria: GeneDx Variant Classification Process June 2021. Collection method: clinical testing. Allele origin: germline. Affected: yes.
Comment: Reported with a second DYSF variant, phase unknown, in two related patients with limb girdle muscular dystrophy (PMID: 26404900); Not observed at significant frequency in large population cohorts (gnomAD); In silico analysis supports that this missense variant has a deleterious effect on protein structure/function; In silico analysis is inconclusive as to whether the variant alters gene splicing. In the absence of RNA/functional studies, the actual effect of this sequence change is unknown.; This variant is associated with the following publications: (PMID: 21522182, 26404900)

Natera, Inc.
Classification: Likely pathogenic for Limb-girdle muscular dystrophy type 2B. Last evaluated: 2024-08-15. Review status: criteria provided, single submitter. Criteria: Natera Variant Classification Schema (03/2026). Collection method: clinical testing. Allele origin: germline.
Comment: The c.5440C>T variant in DYSF is a missense variant predicted to cause substitution of arginine to cysteine at amino acid 1814. This variant is rare in the general population with a frequency below the threshold expected for the associated phenotype(s). This variant has been observed in one or more individuals affected with the associated recessive disease, as either homozygous or compound heterozygous with a second variant (PMID: 26404900). This variant has been observed to segregate in affected family members (PMID: 26404900). Computational prediction algorithms indicate this variant is likely to affect gene or protein function. Given the available evidence, this variant is classified as Likely Pathogenic.

Labcorp Genetics (formerly Invitae), Labcorp
Classification: Pathogenic for Neuromuscular disease caused by qualitative or quantitative defects of dysferlin. Last evaluated: 2023-11-05. Review status: criteria provided, single submitter. Criteria: Invitae Variant Classification Sherloc (09022015). Collection method: clinical testing. Allele origin: germline.
Comment: This sequence change replaces arginine, which is basic and polar, with cysteine, which is neutral and slightly polar, at codon 1814 of the DYSF protein (p.Arg1814Cys). This variant is not present in population databases (gnomAD no frequency). This missense change has been observed in individual(s) with DYSF-related conditions (PMID: 21522182, 26404900). ClinVar contains an entry for this variant (Variation ID: 557327). Advanced modeling of protein sequence and biophysical properties (such as structural, functional, and spatial information, amino acid conservation, physicochemical variation, residue mobility, and thermodynamic stability) performed at Invitae indicates that this missense variant is expected to disrupt DYSF protein function with a positive predictive value of 95%. Algorithms developed to predict the effect of sequence changes on RNA splicing suggest that this variant may disrupt the consensus splice site. For these reasons, this variant has been classified as Pathogenic.

Illumina Laboratory Services, Illumina
Classification: Uncertain significance for Qualitative or quantitative defects of dysferlin. Last evaluated: 2017-11-19. Review status: criteria provided, single submitter. Criteria: ICSL Variant Classification Criteria 13 December 2019. Collection method: clinical testing. Allele origin: germline.
Comment: This variant was observed as part of a predisposition screen in an ostensibly healthy population. A literature search was performed for the gene, cDNA change, and amino acid change (where applicable). Publications were found based on this search. However, the evidence from the literature, in combination with allele frequency data from public databases where available, was not sufficient to rule this variant in or out of causing disease. Therefore, this variant is classified as a variant of unknown significance.

Counsyl
Classification: Uncertain significance for Autosomal recessive limb-girdle muscular dystrophy type 2B. Last evaluated: 2018-03-16. Review status: no assertion criteria provided. Collection method: clinical testing. Allele origin: unknown. Not counted in ClinVar's aggregate classification.

Literature cited by the submitters: PubMed 21522182 (cited by 5 submitters); PubMed 26404900 (cited by 5 submitters).